The following is an entry in ClinVar:

NM_201384.3(PLEC):c.2978G>A (p.Arg993Gln)

Gene: PLEC (plectin; minus strand). Cytogenetic location: 8q24.3.
Variant type: single nucleotide variant.
Coding change: c.2978G>A on transcript NM_201384.3 (MANE Select); coding-DNA position 2978, G replaced by A.
Protein change: p.Arg993Gln; replaces arginine 993 with glutamine.
Molecular consequence: missense variant.
Genome position (GRCh38, 1-based): chr8:143,929,517, C>T on the plus strand (G>A on the coding strand, the complement: PLEC is on the minus strand). VCF-style: chr8-143929517-C-T. GRCh37 (hg19) VCF-style: chr8-145003685-C-T.
Other names: c.3059G>A, p.Arg1020Gln (NM_000445.5); c.2936G>A, p.Arg979Gln (NM_201378.4); c.2912G>A, p.Arg971Gln (NM_201379.3); c.3389G>A, p.Arg1130Gln (NM_201380.4); c.2882G>A, p.Arg961Gln (NM_201381.3); c.2978G>A, p.Arg993Gln (NM_201382.4); c.2990G>A, p.Arg997Gln (NM_201383.3); short protein forms R1020Q, R1130Q, R961Q, R971Q, R979Q, R993Q, R997Q.
Identifiers: ClinVar variation 195857 (VCV000195857.19), dbSNP rs534045685, ClinGen allele CA201975.

ClinVar aggregate classification (germline): Conflicting classifications of pathogenicity. Review status: criteria provided, conflicting classifications (1 of 4 stars). 5 submissions from 5 submitters: Uncertain significance (1); Benign (1); Likely benign (2). 1 of the submissions does not count toward it. Last evaluated 2025-11-01.

Conditions:
PLEC-related disorder. Also called: PLEC-related disorders; PLEC-related condition.
Autosomal recessive limb-girdle muscular dystrophy type 2Q (LGMDR17). Also called: MUSCULAR DYSTROPHY, LIMB-GIRDLE, AUTOSOMAL RECESSIVE 17. Identifiers: Orphanet 254361, MedGen C3150989, MONDO:0013390, OMIM 613723.
Epidermolysis bullosa simplex with nail dystrophy (EBS5D). Identifiers: MedGen C4225309, MONDO:0014661, OMIM 616487.
Epidermolysis bullosa simplex 5C, with pyloric atresia (EBS5C). Also called: PLEC-Related Epidermolysis Bullosa with Pyloric Atresia; PLEC1-Related Epidermolysis Bullosa with Pyloric Atresia; Epidermolysis bullosa simplex with pyloric atresia. Identifiers: Orphanet 158684, MedGen C2677349, MONDO:0012807, OMIM 612138.
Epidermolysis bullosa simplex, Ogna type (EBS5A). Also called: Pidermolysis bullosa simplex 5A, Ogna type; EPIDERMOLYSIS BULLOSA SIMPLEX 5A, OGNA TYPE. Identifiers: Orphanet 79401, MedGen C0432317, MONDO:0007555, OMIM 131950.
Epidermolysis bullosa simplex 5B, with muscular dystrophy (EBS5B). Also called: EPIDERMOLYSIS BULLOSA SIMPLEX AND LIMB-GIRDLE MUSCULAR DYSTROPHY; Epidermolysis bullosa simplex with muscular dystrophy. Identifiers: Orphanet 257, MedGen C2931072, MONDO:0009181, OMIM 226670.
Inborn genetic diseases. Identifiers: MedGen C0950123, MeSH D030342.

Allele frequency attached by ClinVar (database versions not stated): TOPMed 0.00006; gnomAD 0.00007 and 0.00024; gnomAD exomes 0.00047 and 0.00097; ExAC 0.00106; 1000 Genomes Project 0.00140; 1000 Genomes Project 30x 0.00141.
gnomAD v4.1: 726 of 1,612,486 alleles (0.045%); highest among the groups gnomAD compares: South Asian, 0.7%; 5 homozygotes.

Submissions (5):

Labcorp Genetics (formerly Invitae), Labcorp
Classification: Likely benign for Autosomal recessive limb-girdle muscular dystrophy type 2Q; Epidermolysis bullosa simplex, Ogna type; Epidermolysis bullosa simplex with nail dystrophy; Epidermolysis bullosa simplex 5C, with pyloric atresia; Epidermolysis bullosa simplex 5B, with muscular dystrophy. Last evaluated: 2025-11-01. Review status: criteria provided, single submitter. Criteria: Invitae Variant Classification Sherloc (09022015). Collection method: clinical testing. Allele origin: germline.

Ambry Genetics
Classification: Uncertain significance for Inborn genetic diseases. Last evaluated: 2023-03-06. Review status: criteria provided, single submitter. Criteria: Ambry Variant Classification Scheme 2023. Collection method: clinical testing. Allele origin: germline.

GeneDx
Classification: Likely benign. Last evaluated: 2018-07-30. Review status: criteria provided, single submitter. Criteria: GeneDx Variant Classification Process June 2021. Collection method: clinical testing. Allele origin: germline. Affected: yes.

Eurofins Ntd Llc (ga)
Classification: Benign. Last evaluated: 2015-01-02. Review status: criteria provided, single submitter. Criteria: EGL Classification Definitions 2015. Collection method: clinical testing. Allele origin: germline. Observed: 1 variant allele, 1 heterozygote.

PreventionGenetics, part of Exact Sciences
Classification: Likely benign for PLEC-related condition. Last evaluated: 2021-01-11. Review status: no assertion criteria provided. Collection method: clinical testing. Allele origin: germline. Not counted in ClinVar's aggregate classification.
Comment: This variant is classified as likely benign based on ACMG/AMP sequence variant interpretation guidelines (Richards et al. 2015 PMID: 25741868, with internal and published modifications).